The following is an entry in ClinVar:

ClinVar aggregate classification (germline): Uncertain significance (1 of 4 stars; one submission).

Conditions:
Alpha thalassemia-X-linked intellectual disability syndrome (ATRX). Also called: ALPHA-THALASSEMIA/MENTAL RETARDATION SYNDROME, X-LINKED; ATR, NONDELETION TYPE; ATR-X syndrome; Alpha thalassemia mental retardation syndrome, nondeletion type, X-linked; XLMR hypotonic face syndrome; X-linked alpha-thalassemia-mental retardation syndrome. Identifiers: Orphanet 847, MedGen C1845055, MONDO:0010519, OMIM 301040.

Allele frequency attached by ClinVar (database versions not stated): gnomAD exomes below 0.00001; TOPMed below 0.00001; gnomAD 0.00001.
gnomAD v4.1: 2 of 1,210,321 alleles (0.00017%); highest among the groups gnomAD compares: East Asian, 0.0059%; no homozygotes.

Submission:

Labcorp Genetics (formerly Invitae), Labcorp
Classification: Uncertain significance for Alpha thalassemia-X-linked intellectual disability syndrome. Last evaluated: 2024-11-05. Review status: criteria provided, single submitter. Criteria: Invitae Variant Classification Sherloc (09022015). Collection method: clinical testing. Allele origin: germline.
Comment: This sequence change replaces aspartic acid, which is acidic and polar, with glycine, which is neutral and non-polar, at codon 275 of the ATRX protein (p.Asp275Gly). This variant is present in population databases (no rsID available, gnomAD 0.008%). This variant has not been reported in the literature in individuals affected with ATRX-related conditions. ClinVar contains an entry for this variant (Variation ID: 2871213). Invitae Evidence Modeling of protein sequence and biophysical properties (such as structural, functional, and spatial information, amino acid conservation, physicochemical variation, residue mobility, and thermodynamic stability) has been performed for this missense variant. However, the output from this modeling did not meet the statistical confidence thresholds required to predict the impact of this variant on ATRX protein function. In summary, the available evidence is currently insufficient to determine the role of this variant in disease. Therefore, it has been classified as a Variant of Uncertain Significance.

NM_000489.6(ATRX):c.824A>G (p.Asp275Gly)

Gene: ATRX (ATRX chromatin remodeler; minus strand). Cytogenetic location: Xq21.1.
Variant type: single nucleotide variant.
Coding change: c.824A>G on transcript NM_000489.6 (MANE Select); coding-DNA position 824, A replaced by G.
Protein change: p.Asp275Gly; replaces aspartic acid 275 with glycine.
Molecular consequence: missense variant.
Genome position (GRCh38, 1-based): chrX:77,684,432, T>C on the plus strand (A>G on the coding strand, the complement: ATRX is on the minus strand). VCF-style: chrX-77684432-T-C. GRCh37 (hg19) VCF-style: chrX-76939924-T-C.
Other names: c.710A>G, p.Asp237Gly (NM_138270.5); short protein forms D275G, D237G.
Identifiers: ClinVar variation 2871213 (VCV002871213.3), dbSNP rs1557142722, ClinGen allele CA413720566.